The following is an entry in ClinVar:

NM_025137.4(SPG11):c.2285A>G (p.Tyr762Cys)

Gene: SPG11 (SPG11 vesicle trafficking associated, spatacsin; minus strand). Cytogenetic location: 15q21.1.
Variant type: single nucleotide variant.
Coding change: c.2285A>G on transcript NM_025137.4 (MANE Select); coding-DNA position 2285, A replaced by G.
Protein change: p.Tyr762Cys; replaces tyrosine 762 with cysteine.
Molecular consequence: missense variant.
Genome position (GRCh38, 1-based): chr15:44,622,759, T>C on the plus strand (A>G on the coding strand, the complement: SPG11 is on the minus strand). VCF-style: chr15-44622759-T-C. GRCh37 (hg19) VCF-style: chr15-44914957-T-C.
Other names: c.2285A>G, p.Tyr762Cys (NM_001160227.2); short protein forms Y762C.
Identifiers: ClinVar variation 1387795 (VCV001387795.3), dbSNP rs747681565, ClinGen allele CA7535300.

ClinVar aggregate classification (germline): Uncertain significance (1 of 4 stars; one submission).

Conditions:
Hereditary spastic paraplegia 11. Also called: Nakamura Osame syndrome; Autosomal recessive hereditary spastic paraplegia, mental impairment, and thin corpus callosum; SPASTIC PARAPLEGIA, AUTOSOMAL RECESSIVE, COMPLICATED, WITH THIN CORPUS CALLOSUM; SPASTIC PARAPLEGIA, AUTOSOMAL RECESSIVE, WITH MENTAL IMPAIRMENT AND THIN CORPUS CALLOSUM; Spastic paraplegia, mental retardation and thin corpus callosum; Spastic Paraplegia 11. Identifiers: Orphanet 2822, MedGen C1858479, MONDO:0011445, OMIM 604360.

Allele frequency attached by ClinVar (database versions not stated): gnomAD exomes below 0.00001 and 0.00002; TOPMed 0.00001; ExAC 0.00002; gnomAD 0.00002.
gnomAD v4.1: 8 of 1,613,702 alleles (0.0005%); highest among the groups gnomAD compares: African/African-American, 0.0067%; no homozygotes.

Submission:

Labcorp Genetics (formerly Invitae), Labcorp
Classification: Uncertain significance for Hereditary spastic paraplegia 11. Last evaluated: 2021-09-21. Review status: criteria provided, single submitter. Criteria: Invitae Variant Classification Sherloc (09022015). Collection method: clinical testing. Allele origin: germline.
Comment: This sequence change replaces tyrosine with cysteine at codon 762 of the SPG11 protein (p.Tyr762Cys). The tyrosine residue is highly conserved and there is a large physicochemical difference between tyrosine and cysteine. This variant is present in population databases (rs747681565, ExAC 0.01%). This variant has not been reported in the literature in individuals affected with SPG11-related conditions. Advanced modeling of protein sequence and biophysical properties (such as structural, functional, and spatial information, amino acid conservation, physicochemical variation, residue mobility, and thermodynamic stability) performed at Invitae indicates that this missense variant is expected to disrupt SPG11 protein function. In summary, the available evidence is currently insufficient to determine the role of this variant in disease. Therefore, it has been classified as a Variant of Uncertain Significance.